The following is an entry in ClinVar:

NM_020919.4(ALS2):c.784A>G (p.Thr262Ala)

Gene: ALS2 (alsin Rho guanine nucleotide exchange factor ALS2; minus strand). Cytogenetic location: 2q33.1.
Variant type: single nucleotide variant.
Coding change: c.784A>G on transcript NM_020919.4 (MANE Select); coding-DNA position 784, A replaced by G.
Protein change: p.Thr262Ala; replaces threonine 262 with alanine.
Molecular consequence: missense variant.
Genome position (GRCh38, 1-based): chr2:201,761,210, T>C on the plus strand (A>G on the coding strand, the complement: ALS2 is on the minus strand). VCF-style: chr2-201761210-T-C. GRCh37 (hg19) VCF-style: chr2-202625933-T-C.
Other names: c.784A>G, p.Thr262Ala (NM_001135745.2, NM_001410975.1); c.784A>G (NM_020919.3); short protein forms T262A.
Identifiers: ClinVar variation 2165702 (VCV002165702.5), dbSNP rs761731006, ClinGen allele CA2058601.

ClinVar aggregate classification (germline): Uncertain significance. Review status: criteria provided, multiple submitters, no conflicts (2 of 4 stars). 2 submissions from 2 submitters: Uncertain significance (2). Last evaluated 2024-02-05.

Conditions:
Infantile-onset ascending hereditary spastic paralysis (IAHSP). Also called: Infantile-Onset Ascending Hereditary Spastic Paralysis (IAHSP); Autosomal Recessive Juvenile Amyotrophic Lateral Sclerosis. Identifiers: Orphanet 293168, MedGen C2931441, MONDO:0011797, OMIM 607225. Disease mechanism: loss of function.
Inborn genetic diseases. Identifiers: MedGen C0950123, MeSH D030342.

Allele frequency attached by ClinVar (database versions not stated): gnomAD 0.00001; ExAC 0.00002; TOPMed 0.00002.
gnomAD v4.1: 3 of 1,614,208 alleles (0.00019%); highest among the groups gnomAD compares: East Asian, 0.0067%; no homozygotes.

Submissions (2):

Ambry Genetics
Classification: Uncertain significance for Inborn genetic diseases. Last evaluated: 2024-02-05. Review status: criteria provided, single submitter. Criteria: Ambry Variant Classification Scheme 2023. Collection method: clinical testing. Allele origin: germline.

Labcorp Genetics (formerly Invitae), Labcorp
Classification: Uncertain significance for Infantile-onset ascending hereditary spastic paralysis. Last evaluated: 2022-02-06. Review status: criteria provided, single submitter. Criteria: Invitae Variant Classification Sherloc (09022015). Collection method: clinical testing. Allele origin: germline.
Comment: In summary, the available evidence is currently insufficient to determine the role of this variant in disease. Therefore, it has been classified as a Variant of Uncertain Significance. Algorithms developed to predict the effect of missense changes on protein structure and function output the following: SIFT: "Tolerated"; PolyPhen-2: "Benign"; Align-GVGD: "Class C0". The alanine amino acid residue is found in multiple mammalian species, which suggests that this missense change does not adversely affect protein function. This variant has not been reported in the literature in individuals affected with ALS2-related conditions. This variant is present in population databases (rs761731006, gnomAD 0.02%). This sequence change replaces threonine, which is neutral and polar, with alanine, which is neutral and non-polar, at codon 262 of the ALS2 protein (p.Thr262Ala).